The following is an entry in ClinVar:

ClinVar aggregate classification (germline): Uncertain significance (1 of 4 stars; one submission).

Conditions:
Familial cold autoinflammatory syndrome 3 (FCAS3). Also called: FAMILIAL ATYPICAL COLD URTICARIA; ANTIBODY DEFICIENCY AND IMMUNE DYSREGULATION, PLCG2-ASSOCIATED. Identifiers: Orphanet 300359, MedGen C3280914, MONDO:0013766, OMIM 614468.

Submission:

Labcorp Genetics (formerly Invitae), Labcorp
Classification: Uncertain significance for Familial cold autoinflammatory syndrome 3. Last evaluated: 2025-11-03. Review status: criteria provided, single submitter. Criteria: Invitae Variant Classification Sherloc (09022015). Collection method: clinical testing. Allele origin: germline.
Comment: This sequence change replaces glutamine, which is neutral and polar, with histidine, which is basic and polar, at codon 1039 of the PLCG2 protein (p.Gln1039His). This variant is not present in population databases (gnomAD no frequency). This variant has not been reported in the literature in individuals affected with PLCG2-related conditions. ClinVar contains an entry for this variant (Variation ID: 2011096). An algorithm developed to predict the effect of missense changes on protein structure and function (PolyPhen-2) suggests that this variant is likely to be disruptive. In summary, the available evidence is currently insufficient to determine the role of this variant in disease. Therefore, it has been classified as a Variant of Uncertain Significance.

NM_002661.5(PLCG2):c.3117G>C (p.Gln1039His)

Gene: PLCG2 (phospholipase C gamma 2; plus strand). Cytogenetic location: 16q23.3.
Variant type: single nucleotide variant.
Coding change: c.3117G>C on transcript NM_002661.5 (MANE Select); coding-DNA position 3117, G replaced by C.
Protein change: p.Gln1039His; replaces glutamine 1039 with histidine.
Molecular consequence: missense variant.
Genome position (GRCh38, 1-based): chr16:81,937,822, G>C. VCF-style: chr16-81937822-G-C. GRCh37 (hg19) VCF-style: chr16-81971427-G-C.
Other names: short protein forms Q1039H.
Identifiers: ClinVar variation 2011096 (VCV002011096.4), dbSNP rs2507759703, ClinGen allele CA396906749.
Genomic context (GRCh38, chr16:81,937,822, plus strand): 5'-GTACATGCAGATGAATCACGCATTGTTTTCTCTCAATGGGCGCACGGGCTACGTTCTGCA[G>C]CCTGAGAGCATGAGGACAGAGAAATATGACCCGATGCCACCCGAGTCCCAGAGGAAGATC-3'
Protein context (NP_002652.2, residues 1029-1049): SLNGRTGYVL[Gln1039His]PESMRTEKYD